The following is an entry in ClinVar:

ClinVar aggregate classification (germline): Uncertain significance (1 of 4 stars; one submission).

Allele frequency attached by ClinVar (database versions not stated): gnomAD exomes below 0.00001.
gnomAD v4.1: 5 of 1,596,250 alleles (0.00031%); highest among the groups gnomAD compares: Middle Eastern, 0.017%; no homozygotes.

Submission:

Labcorp Genetics (formerly Invitae), Labcorp
Classification: Uncertain significance. Last evaluated: 2022-09-03. Review status: criteria provided, single submitter. Criteria: Invitae Variant Classification Sherloc (09022015). Collection method: clinical testing. Allele origin: germline.
Comment: This sequence change replaces alanine, which is neutral and non-polar, with threonine, which is neutral and polar, at codon 1194 of the SORL1 protein (p.Ala1194Thr). This variant also falls at the last nucleotide of exon 25, which is part of the consensus splice site for this exon. In summary, the available evidence is currently insufficient to determine the role of this variant in disease. Therefore, it has been classified as a Variant of Uncertain Significance. Variants that disrupt the consensus splice site are a relatively common cause of aberrant splicing (PMID: 17576681, 9536098). Algorithms developed to predict the effect of sequence changes on RNA splicing suggest that this variant may disrupt the consensus splice site. Algorithms developed to predict the effect of missense changes on protein structure and function (SIFT, PolyPhen-2, Align-GVGD) all suggest that this variant is likely to be tolerated. This variant has not been reported in the literature in individuals affected with SORL1-related conditions. This variant is not present in population databases (gnomAD no frequency).

Literature cited by the submitters: PubMed 17576681; PubMed 9536098.

NM_003105.6(SORL1):c.3580G>A (p.Ala1194Thr)

Gene: SORL1 (sortilin related receptor 1; plus strand). Cytogenetic location: 11q24.1.
Variant type: single nucleotide variant.
Coding change: c.3580G>A on transcript NM_003105.6 (MANE Select); coding-DNA position 3580, G replaced by A.
Protein change: p.Ala1194Thr; replaces alanine 1194 with threonine.
Molecular consequence: missense variant.
Genome position (GRCh38, 1-based): chr11:121,577,400, G>A. VCF-style: chr11-121577400-G-A. GRCh37 (hg19) VCF-style: chr11-121448109-G-A.
Other names: short protein forms A1194T.
Identifiers: ClinVar variation 1921040 (VCV001921040.5), dbSNP rs1261126898, ClinGen allele CA383025043.